The following is an entry in ClinVar:

NM_001005242.3(PKP2):c.1961C>T (p.Thr654Ile)

Gene: PKP2 (plakophilin 2; minus strand). Cytogenetic location: 12p11.21.
Variant type: single nucleotide variant.
Coding change: c.1961C>T on transcript NM_001005242.3 (MANE Select); coding-DNA position 1961, C replaced by T.
Protein change: p.Thr654Ile; replaces threonine 654 with isoleucine.
Molecular consequence: missense variant.
Genome position (GRCh38, 1-based): chr12:32,821,408, G>A on the plus strand (C>T on the coding strand, the complement: PKP2 is on the minus strand). VCF-style: chr12-32821408-G-A. GRCh37 (hg19) VCF-style: chr12-32974342-G-A.
Other names: c.1961C>T, p.Thr654Ile (NM_001407155.1, NM_001407161.1); c.1796C>T, p.Thr599Ile (NM_001407156.1); c.2093C>T, p.Thr698Ile (NM_001407157.1, NM_004572.4); c.1634C>T, p.Thr545Ile (NM_001407158.1, NM_001407159.1, NM_001407160.1 and 1 more transcripts); short protein forms T545I, T599I, T654I, T698I.
Identifiers: ClinVar variation 3074734 (VCV003074734.1), dbSNP rs1592737188, ClinGen allele CA384361697.
Genomic context (GRCh38, chr12:32,821,408, plus strand): 5'-ATACTCACTGGTCCACTTCCGGCCGTGAGGTTCTGCAGAGCTCCTAAGGATGCTTCTTGT[G>A]TGTAGTTGCGGACACTTTTGGCGATCAAGGACAGATACATCCTTATAACAATGGAATGCC-3'
Protein context (NP_001005242.2, residues 644-664): SLIAKSVRNY[Thr654Ile]QEASLGALQN

ClinVar aggregate classification (germline): Uncertain significance (1 of 4 stars; one submission).

Conditions:
Arrhythmogenic right ventricular cardiomyopathy (ARVD). Also called: Arrhythmogenic right ventricular dysplasia; Cardiomyopathy, ARVC; Arrhythmogenic cardiomyopathy; Arrhythmogenic Right Ventricular Cardiomyopathy (ARVC). Identifiers: Orphanet 247, MedGen C0349788, MeSH D019571, MONDO:0016587. Disease mechanism: loss of function. Inheritance: Various modes of inheritance.

Submission:

All of Us Research Program, National Institutes of Health
Classification: Uncertain significance for Arrhythmogenic right ventricular cardiomyopathy. Last evaluated: 2023-12-13. Review status: criteria provided, single submitter. Criteria: ACMG Guidelines, 2015. Collection method: clinical testing. Allele origin: germline. Inheritance: Autosomal dominant inheritance. Observed: 1 variant allele, 1 heterozygote.
Comment: This missense variant replaces threonine with isoleucine at codon 698 of the PKP2 protein. Computational prediction suggests that this variant may have deleterious impact on protein structure and function (internally defined REVEL score threshold >= 0.7, PMID: 27666373). To our knowledge, functional studies have not been reported for this variant. This variant has not been reported in individuals affected with PKP2-related disorders in the literature. This variant has not been identified in the general population by the Genome Aggregation Database (gnomAD). The available evidence is insufficient to determine the role of this variant in disease conclusively. Therefore, this variant is classified as a Variant of Uncertain Significance.

This study involves interpretation of variants in research participants for the purpose of population health screening. Participant phenotype was not available at the time of variant classification. Additional details can be found in publication PMID: 35346344, PMCID: PMC8962531